The following is an entry in ClinVar:

NM_001164760.2(PRKAR1B):c.716C>T (p.Thr239Met)

Gene: PRKAR1B (protein kinase cAMP-dependent type I regulatory subunit beta; minus strand). Cytogenetic location: 7p22.3.
Variant type: single nucleotide variant.
Coding change: c.716C>T on transcript NM_001164760.2 (MANE Select); coding-DNA position 716, C replaced by T.
Protein change: p.Thr239Met; replaces threonine 239 with methionine.
Molecular consequence: missense variant.
Genome position (GRCh38, 1-based): chr7:584,561, G>A on the plus strand (C>T on the coding strand, the complement: PRKAR1B is on the minus strand). VCF-style: chr7-584561-G-A. GRCh37 (hg19) VCF-style: chr7-624198-G-A.
Other names: c.716C>T, p.Thr239Met (NM_001164758.2, NM_001164759.1, NM_001164761.2 and 2 more transcripts); short protein forms T239M.
Identifiers: ClinVar variation 3781045 (VCV003781045.1).

ClinVar aggregate classification (germline): Uncertain significance (1 of 4 stars; one submission).

Submission:

GeneDx
Classification: Uncertain significance. Last evaluated: 2024-10-21. Review status: criteria provided, single submitter. Criteria: GeneDx Variant Classification Process June 2021. Collection method: clinical testing. Allele origin: germline. Affected: yes.
Comment: Not observed at significant frequency in large population cohorts (gnomAD); In silico analysis supports that this missense variant has a deleterious effect on protein structure/function; Has not been previously published as pathogenic or benign to our knowledge